The following is an entry in ClinVar:

NM_019842.4(KCNQ5):c.43G>A (p.Gly15Arg)

Genes: KCNQ5 (potassium voltage-gated channel subfamily Q member 5; plus strand), KCNQ5-DT (KCNQ5 divergent transcript; minus strand), LOC129996711 (ATAC-STARR-seq lymphoblastoid silent region 17329; plus strand). Cytogenetic location: 6q13.
Variant type: single nucleotide variant.
Coding change: c.43G>A on transcript NM_019842.4 (MANE Select); coding-DNA position 43, G replaced by A.
Protein change: p.Gly15Arg; replaces glycine 15 with arginine.
Molecular consequence: missense variant.
Genome position (GRCh38, 1-based): chr6:72,622,232, G>A. VCF-style: chr6-72622232-G-A. GRCh37 (hg19) VCF-style: chr6-73331960-G-A.
Other names: p.Gly15Arg; c.43G>A, p.Gly15Arg (NM_001160130.2, NM_001160132.2, NM_001160133.2 and 1 more transcripts); short protein forms G15R.
Identifiers: ClinVar variation 4852486 (VCV004852486.1).

ClinVar aggregate classification (germline): Uncertain significance (1 of 4 stars; one submission).

Conditions:
Intellectual developmental disorder, autosomal dominant 46. Also called: MENTAL RETARDATION, AUTOSOMAL DOMINANT 46; Intellectual disability, autosomal dominant 46. Identifiers: MedGen C4539851, MONDO:0030911, OMIM 617601.

gnomAD v4.1: 2 of 1,237,056 alleles (0.00016%); highest among the groups gnomAD compares: Middle Eastern, 0.031%; no homozygotes.

Submission:

Foundation for Research in Genetics and Endocrinology, FRIGE's Institute of Human Genetics
Classification: Uncertain significance for Intellectual developmental disorder, autosomal dominant 46. Last evaluated: 2026-05-27. Review status: criteria provided, single submitter. Criteria: ACMG Guidelines, 2015. Collection method: clinical testing. Allele origin: germline. Inheritance: Autosomal dominant inheritance. Affected: yes. Observed: 1 variant allele, 1 heterozygote.
Comment: A heterozygous missense variant in exon 1 of the KCNQ5 gene that results in the amino acid substitution of Arginine for Glycine at codon 15 (p.Gly15Arg) was detected. The p.Gly15Arg variant has not been reported in the 1000 genomes, gnomAD (v3.1), gnomAD (v2.1), topmed databases. The in-silico predictions of the variant are damaging by SIFT, FATHMM and MetaSVM. The reference codon is conserved across species. In summary, the variant meets our criteria to be classified as variant of uncertain significance.